The following is an entry in ClinVar:

ClinVar aggregate classification (germline): Uncertain significance. Review status: criteria provided, multiple submitters, no conflicts (2 of 4 stars). 2 submissions from 2 submitters: Uncertain significance (2). Last evaluated 2025-06-16.

Conditions:
Inborn genetic diseases. Identifiers: MedGen C0950123, MeSH D030342.

Allele frequency attached by ClinVar (database versions not stated): gnomAD 0.00001.

Submissions (2):

Ambry Genetics
Classification: Uncertain significance for Inborn genetic diseases. Last evaluated: 2025-06-16. Review status: criteria provided, single submitter. Criteria: Ambry Variant Classification Scheme 2023. Collection method: clinical testing. Allele origin: germline.

GeneDx
Classification: Uncertain significance. Last evaluated: 2023-05-08. Review status: criteria provided, single submitter. Criteria: GeneDx Variant Classification Process June 2021. Collection method: clinical testing. Allele origin: germline. Affected: yes.
Comment: Not observed at significant frequency in large population cohorts (gnomAD); In silico analysis supports that this missense variant does not alter protein structure/function; Has not been previously published as pathogenic or benign to our knowledge

NM_031475.3(ESPN):c.2328G>C (p.Glu776Asp)

Gene: ESPN (espin; plus strand). Cytogenetic location: 1p36.31.
Variant type: single nucleotide variant.
Coding change: c.2328G>C on transcript NM_031475.3 (MANE Select); coding-DNA position 2328, G replaced by C.
Protein change: p.Glu776Asp; replaces glutamic acid 776 with aspartic acid.
Molecular consequence: missense variant.
Genome position (GRCh38, 1-based): chr1:6,457,186, G>C. VCF-style: chr1-6457186-G-C. GRCh37 (hg19) VCF-style: chr1-6517246-G-C.
Other names: c.2238G>C, p.Glu746Asp (NM_001367473.1); c.2265G>C, p.Glu755Asp (NM_001367474.1); short protein forms E746D, E755D, E776D.
Identifiers: ClinVar variation 2663706 (VCV002663706.2), dbSNP rs1644071154, ClinGen allele CA338101851.
Genomic context (GRCh38, chr1:6,457,186, plus strand): 5'-AGGGTGCCCCCTATCTCCCAGCCCCTGCAGGCCCTGAAGCTTTGTGGTTGTGTTTCAGGA[G>C]GAGGAGGAGGAGGCCCGGCTGGCCAGCATGCCCGCCTGGAGGCGGGACCTCCTGCGGAAG-3'
Protein context (NP_113663.2, residues 766-786): MQEEEEQRRK[Glu776Asp]EEEEARLASM